The following is an entry in ClinVar:

ClinVar aggregate classification (germline): Pathogenic. Review status: criteria provided, multiple submitters, no conflicts (2 of 4 stars). 5 submissions from 5 submitters: Pathogenic (4). 1 of the submissions does not count toward it. Last evaluated 2026-01-14.

Conditions:
Hepatoencephalopathy due to combined oxidative phosphorylation defect type 1. Also called: HEPATOENCEPHALOPATHY, EARLY FATAL PROGRESSIVE. Identifiers: Orphanet 137681, MedGen C1836797, MONDO:0012191, OMIM 609060.

Allele frequency attached by ClinVar (database versions not stated): gnomAD 0.00002 and 0.00001; TOPMed 0.00002; ExAC 0.00003; gnomAD exomes 0.00002.

Submissions (5):

Labcorp Genetics (formerly Invitae), Labcorp
Classification: Pathogenic. Last evaluated: 2026-01-14. Review status: criteria provided, single submitter. Criteria: Invitae Variant Classification Sherloc (09022015). Collection method: clinical testing. Allele origin: germline.
Comment: This sequence change creates a premature translational stop signal (p.Arg47*) in the GFM1 gene. It is expected to result in an absent or disrupted protein product. Loss-of-function variants in GFM1 are known to be pathogenic (PMID: 16632485, 17160893). This variant is present in population databases (rs119470019, gnomAD 0.004%). This premature translational stop signal has been observed in individual(s) with GFM1-related conditions (PMID: 17160893). ClinVar contains an entry for this variant (Variation ID: 4161). For these reasons, this variant has been classified as Pathogenic.

Natera, Inc.
Classification: Pathogenic for Combined oxidative phosphorylation deficiency 1. Last evaluated: 2025-09-08. Review status: criteria provided, single submitter. Criteria: Natera Variant Classification Schema (03/2026). Collection method: clinical testing. Allele origin: germline.
Comment: The c.139C>T variant in GFM1 is a nonsense variant predicted to introduce a stop codon at amino acid 47. This variant is expected to result in nonsense mediated decay, truncation, or a dysfunctional protein product. This variant is rare in the general population with a frequency below the threshold expected for the associated phenotype(s). This variant has been observed in one or more individuals affected with the associated recessive disease, as either homozygous or compound heterozygous with a second variant (PMID: 17160893). Given the available evidence, this variant is classified as Pathogenic.

Fulgent Genetics
Classification: Pathogenic for Hepatoencephalopathy due to combined oxidative phosphorylation defect type 1. Last evaluated: 2024-04-03. Review status: criteria provided, single submitter. Criteria: ACMG Guidelines, 2015. Collection method: clinical testing. Allele origin: germline.

Women's Health and Genetics/Laboratory Corporation of America, LabCorp
Classification: Pathogenic for Hepatoencephalopathy due to combined oxidative phosphorylation defect type 1. Last evaluated: 2023-10-17. Review status: criteria provided, single submitter. Criteria: LabCorp Variant Classification Summary - May 2015. Collection method: clinical testing. Allele origin: germline.
Comment: Variant summary: GFM1 c.139C>T (p.Arg47X) results in a premature termination codon, predicted to cause a truncation of the encoded protein or absence of the protein due to nonsense mediated decay, which are commonly known mechanisms for disease. The variant allele was found at a frequency of 1.6e-05 in 251442 control chromosomes. c.139C>T has been reported in the literature in at least one compound heterozygous individual affected with early-onset Leigh syndrome with evidence of familial co-segregation (e.g.Valente_2007). One publication reports experimental evidence evaluating an impact on protein function, however, does not provide sufficient evidence about the variant effect (e.g.Valente_2007). The following publication has been ascertained in the context of this evaluation (PMID: 17160893). Two submitters have cited clinical-significance assessments for this variant to ClinVar after 2014. All submitters classified the variant as pathogenic. Based on the evidence outlined above, the variant was classified as pathogenic.

OMIM
Classification: Pathogenic for COMBINED OXIDATIVE PHOSPHORYLATION DEFICIENCY 1. Last evaluated: 2007-01-01. Review status: no assertion criteria provided. Collection method: literature only. Allele origin: germline. Not counted in ClinVar's aggregate classification.

Literature cited by the submitters: PubMed 16632485 (cited by Labcorp Genetics (formerly Invitae), Labcorp); PubMed 17160893 (cited by 4 submitters).

NM_024996.7(GFM1):c.139C>T (p.Arg47Ter)

Gene: GFM1 (G elongation factor mitochondrial 1; plus strand). Cytogenetic location: 3q25.32.
Variant type: single nucleotide variant.
Coding change: c.139C>T on transcript NM_024996.7 (MANE Select); coding-DNA position 139, C replaced by T.
Protein change: p.Arg47Ter; replaces arginine 47 with a stop codon.
Molecular consequence: nonsense. On other transcripts: 5 prime UTR variant (4), non-coding transcript variant (4).
Genome position (GRCh38, 1-based): chr3:158,645,686, C>T. VCF-style: chr3-158645686-C-T. GRCh37 (hg19) VCF-style: chr3-158363475-C-T.
Other names: c.139C>T, p.Arg47Ter (NM_001308164.2, NM_001308166.2, NM_001374355.1 and 2 more transcripts); c.-87C>T (NM_001374357.1); c.-91C>T (NM_001374359.1, NM_001374360.1, NM_001374361.1); short protein forms R47*.
Identifiers: ClinVar variation 4161 (VCV000004161.15), dbSNP rs119470019, ClinGen allele CA210485.